The following is an entry in ClinVar:

ClinVar aggregate classification (germline): Uncertain significance (1 of 4 stars; one submission).

gnomAD v4.1: 6 of 1,560,092 alleles (0.00038%); highest among the groups gnomAD compares: African/African-American, 0.0013%; no homozygotes.

Submission:

Labcorp Genetics (formerly Invitae), Labcorp
Classification: Uncertain significance. Last evaluated: 2025-10-07. Review status: criteria provided, single submitter. Criteria: Invitae Variant Classification Sherloc (09022015). Collection method: clinical testing. Allele origin: germline.
Comment: This sequence change falls in intron 6 of the LTBP2 gene. It does not directly change the encoded amino acid sequence of the LTBP2 protein. It affects a nucleotide within the consensus splice site. This variant is not present in population databases (gnomAD no frequency). This variant has not been reported in the literature in individuals affected with LTBP2-related conditions. Variants that disrupt the consensus splice site are a relatively common cause of aberrant splicing (PMID: 17576681, 9536098). Algorithms developed to predict the effect of sequence changes on RNA splicing suggest that this variant is not likely to affect RNA splicing. In summary, the available evidence is currently insufficient to determine the role of this variant in disease. Therefore, it has been classified as a Variant of Uncertain Significance.

Literature cited by the submitters: PubMed 17576681; PubMed 9536098.

NM_000428.3(LTBP2):c.1400-3C>T

Gene: LTBP2 (latent transforming growth factor beta binding protein 2; minus strand). Cytogenetic location: 14q24.3.
Variant type: single nucleotide variant.
Coding change: c.1400-3C>T on transcript NM_000428.3 (MANE Select); 3 bases into the intron before coding-DNA position 1400, C replaced by T.
Molecular consequence: intron variant.
Genome position (GRCh38, 1-based): chr14:74,551,353, G>A on the plus strand (C>T on the coding strand, the complement: LTBP2 is on the minus strand). VCF-style: chr14-74551353-G-A. GRCh37 (hg19) VCF-style: chr14-75018056-G-A.
Identifiers: ClinVar variation 4749744 (VCV004749744.1).